The following is an entry in ClinVar:

NM_004239.4(TRIP11):c.5663C>T (p.Pro1888Leu)

Gene: TRIP11 (thyroid hormone receptor interactor 11; minus strand). Cytogenetic location: 14q32.12.
Variant type: single nucleotide variant.
Coding change: c.5663C>T on transcript NM_004239.4 (MANE Select); coding-DNA position 5663, C replaced by T.
Protein change: p.Pro1888Leu; replaces proline 1888 with leucine.
Molecular consequence: missense variant.
Genome position (GRCh38, 1-based): chr14:91,972,773, G>A on the plus strand (C>T on the coding strand, the complement: TRIP11 is on the minus strand). VCF-style: chr14-91972773-G-A. GRCh37 (hg19) VCF-style: chr14-92439117-G-A.
Other names: c.5660C>T, p.Pro1887Leu (NM_001321851.1); c.5663C>T (NM_004239.3); short protein forms P1887L, P1888L.
Identifiers: ClinVar variation 2437321 (VCV002437321.5), dbSNP rs536357760, ClinGen allele CA7313085.

ClinVar aggregate classification (germline): Uncertain significance. Review status: criteria provided, multiple submitters, no conflicts (2 of 4 stars). 3 submissions from 3 submitters: Uncertain significance (3). Last evaluated 2025-08-21.

Conditions:
Inborn genetic diseases. Identifiers: MedGen C0950123, MeSH D030342.
Achondrogenesis, type IA (ACG1A). Identifiers: Orphanet 932, Orphanet 93299, MedGen C0265273, MONDO:0008701, OMIM 200600.

Allele frequency attached by ClinVar (database versions not stated): TOPMed 0.00001; gnomAD 0.00005; gnomAD exomes 0.00005; ExAC 0.00018; 1000 Genomes Project 30x 0.00031; 1000 Genomes Project 0.00040.
gnomAD v4.1: 94 of 1,613,284 alleles (0.0058%); highest among the groups gnomAD compares: South Asian, 0.079%; no homozygotes.

Submissions (3):

Ambry Genetics
Classification: Uncertain significance for Inborn genetic diseases. Last evaluated: 2025-08-21. Review status: criteria provided, single submitter. Criteria: Ambry Variant Classification Scheme 2023. Collection method: clinical testing. Allele origin: germline.

Labcorp Genetics (formerly Invitae), Labcorp
Classification: Uncertain significance for Achondrogenesis, type IA. Last evaluated: 2023-07-31. Review status: criteria provided, single submitter. Criteria: Invitae Variant Classification Sherloc (09022015). Collection method: clinical testing. Allele origin: germline.
Comment: In summary, the available evidence is currently insufficient to determine the role of this variant in disease. Therefore, it has been classified as a Variant of Uncertain Significance. Advanced modeling of protein sequence and biophysical properties (such as structural, functional, and spatial information, amino acid conservation, physicochemical variation, residue mobility, and thermodynamic stability) performed at Invitae indicates that this missense variant is not expected to disrupt TRIP11 protein function. ClinVar contains an entry for this variant (Variation ID: 2437321). This variant has not been reported in the literature in individuals affected with TRIP11-related conditions. This variant is present in population databases (rs536357760, gnomAD 0.1%). This sequence change replaces proline, which is neutral and non-polar, with leucine, which is neutral and non-polar, at codon 1888 of the TRIP11 protein (p.Pro1888Leu).

Revvity Omics, Revvity
Classification: Uncertain significance. Last evaluated: 2021-03-18. Review status: criteria provided, single submitter. Criteria: ACMG Guidelines, 2015. Collection method: clinical testing. Allele origin: germline.